The following is an entry in ClinVar:

NM_001378454.1(ALMS1):c.8724T>C (p.Pro2908=)

Gene: ALMS1 (ALMS1 centrosome and basal body associated protein; plus strand). Cytogenetic location: 2p13.1.
Variant type: single nucleotide variant.
Coding change: c.8724T>C on transcript NM_001378454.1 (MANE Select); coding-DNA position 8724, T replaced by C.
Protein change: p.Pro2908=; no amino-acid change (proline 2908 retained).
Molecular consequence: synonymous variant.
Genome position (GRCh38, 1-based): chr2:73,490,683, T>C. VCF-style: chr2-73490683-T-C. GRCh37 (hg19) VCF-style: chr2-73717810-T-C.
Other names: c.8727T>C, p.Pro2909= (NM_015120.4).
Identifiers: ClinVar variation 3039583 (VCV003039583.1), dbSNP rs2466217387, ClinGen allele CA427014385.

ClinVar aggregate classification (germline): Likely benign (1 of 4 stars; one submission).

Conditions:
ALMS1-related disorder. Also called: ALMS1-related condition.

Submission:

PreventionGenetics, part of Exact Sciences
Classification: Likely benign for ALMS1-related condition. Last evaluated: 2020-03-20. Review status: criteria provided, single submitter. Criteria: ACMG Guidelines, 2015. Collection method: clinical testing. Allele origin: germline.
Comment: This variant is classified as likely benign based on ACMG/AMP sequence variant interpretation guidelines (Richards et al. 2015 PMID: 25741868, with internal and published modifications).